The following is an entry in ClinVar:

NM_015559.3(SETBP1):c.4712A>G (p.Gln1571Arg)

Gene: SETBP1 (SET binding protein 1; plus strand). Cytogenetic location: 18q12.3.
Variant type: single nucleotide variant.
Coding change: c.4712A>G on transcript NM_015559.3 (MANE Select); coding-DNA position 4712, A replaced by G.
Protein change: p.Gln1571Arg; replaces glutamine 1571 with arginine.
Molecular consequence: missense variant.
Genome position (GRCh38, 1-based): chr18:45,063,619, A>G. VCF-style: chr18-45063619-A-G. GRCh37 (hg19) VCF-style: chr18-42643584-A-G.
Other names: c.4712A>G, p.Gln1571Arg (NM_001379141.1, NM_001379142.1); c.4541A>G, p.Gln1514Arg (NM_001410862.1); short protein forms Q1571R, Q1514R.
Identifiers: ClinVar variation 4726961 (VCV004726961.1).

ClinVar aggregate classification (germline): Uncertain significance (1 of 4 stars; one submission).

Submission:

Labcorp Genetics (formerly Invitae), Labcorp
Classification: Uncertain significance. Last evaluated: 2025-09-10. Review status: criteria provided, single submitter. Criteria: Invitae Variant Classification Sherloc (09022015). Collection method: clinical testing. Allele origin: germline.
Comment: This sequence change replaces glutamine, which is neutral and polar, with arginine, which is basic and polar, at codon 1571 of the SETBP1 protein (p.Gln1571Arg). This variant is not present in population databases (gnomAD no frequency). This variant has not been reported in the literature in individuals affected with SETBP1-related conditions. An algorithm developed to predict the effect of missense changes on protein structure and function (PolyPhen-2) suggests that this variant is likely to be tolerated. In summary, the available evidence is currently insufficient to determine the role of this variant in disease. Therefore, it has been classified as a Variant of Uncertain Significance.